The following is an entry in ClinVar:

ClinVar aggregate classification (germline): Benign (1 of 4 stars; one submission).

Conditions:
POLD1-related polyposis and colorectal cancer syndrome (CRCS10). Also called: Colorectal cancer 10; COLORECTAL CANCER, SUSCEPTIBILITY TO, ON CHROMOSOME 19q; Colorectal cancer, susceptibility to, 10. Identifiers: Orphanet 220460, MedGen C2675481, MONDO:0012953, OMIM 612591.

gnomAD v4.1: 1 of 1,561,880 alleles (0.000064%); highest among the groups gnomAD compares: South Asian, 0.0012%; no homozygotes.

Submission:

Myriad Genetics, Inc.
Classification: Benign for POLD1-related polyposis and colorectal cancer syndrome. Last evaluated: 2025-02-05. Review status: criteria provided, single submitter. Criteria: Myriad Autosomal Dominant, Autosomal Recessive and X-Linked Classification Criteria (2023). Collection method: clinical testing. Allele origin: unknown.
Comment: This variant is considered benign. This variant is a silent/synonymous amino acid change and it is not expected to impact splicing.

NM_002691.4(POLD1):c.1047C>G (p.Pro349=)

Gene: POLD1 (DNA polymerase delta 1, catalytic subunit; plus strand). Cytogenetic location: 19q13.33.
Variant type: single nucleotide variant.
Coding change: c.1047C>G on transcript NM_002691.4 (MANE Select); coding-DNA position 1047, C replaced by G.
Protein change: p.Pro349=; no amino-acid change (proline 349 retained).
Molecular consequence: synonymous variant. On other transcripts: non-coding transcript variant (1).
Genome position (GRCh38, 1-based): chr19:50,403,129, C>G. VCF-style: chr19-50403129-C-G. GRCh37 (hg19) VCF-style: chr19-50906386-C-G.
Other names: c.1047C>G, p.Pro349= (NM_001256849.1, NM_001308632.1).
Identifiers: ClinVar variation 3904431 (VCV003904431.1).
Genomic context (GRCh38, chr19:50,403,129, plus strand): 5'-TGAGCGGGACCCTGTCATCCAGATCTGCTCGCTGGGCCTGCGCTGGGGGGAGCCGGAGCC[C>G]TTCCTACGCCTGGCGCTCACCCTGCGGCCCTGTGCCCCCATCCTGGGTGCCAAGGTGCAG-3'
Protein context (NP_002682.2, residues 339-359): SLGLRWGEPE[Pro349=]FLRLALTLRP